The following is an entry in ClinVar:

NM_000465.4(BARD1):c.445C>T (p.Pro149Ser)

Gene: BARD1 (BRCA1 associated RING domain 1; minus strand). Cytogenetic location: 2q35.
Variant type: single nucleotide variant.
Coding change: c.445C>T on transcript NM_000465.4 (MANE Select); coding-DNA position 445, C replaced by T.
Protein change: p.Pro149Ser; replaces proline 149 with serine.
Molecular consequence: missense variant. On other transcripts: non-coding transcript variant (2), intron variant (3).
Genome position (GRCh38, 1-based): chr2:214,781,429, G>A on the plus strand (C>T on the coding strand, the complement: BARD1 is on the minus strand). VCF-style: chr2-214781429-G-A. GRCh37 (hg19) VCF-style: chr2-215646153-G-A.
Other names: c.388C>T, p.Pro130Ser (NM_001282543.2); c.158+27983C>T (NM_001282548.2); c.215+15632C>T (NM_001282545.2); c.364+10868C>T (NM_001282549.2); short protein forms P149S, P130S.
Identifiers: ClinVar variation 2166507 (VCV002166507.4), dbSNP rs2469513386, ClinGen allele CA350457727.

ClinVar aggregate classification (germline): Uncertain significance. Review status: criteria provided, multiple submitters, no conflicts (2 of 4 stars). 2 submissions from 2 submitters: Uncertain significance (2). Last evaluated 2025-09-05.

Conditions:
Hereditary cancer-predisposing syndrome. Also called: Hereditary neoplastic syndrome; Neoplastic Syndromes, Hereditary; Hereditary Cancer Syndrome; Tumor predisposition. Identifiers: Orphanet 140162, MedGen C0027672, MeSH D009386, MONDO:0015356.
Familial cancer of breast. Also called: Hereditary breast cancer; BREAST CANCER, FAMILIAL; hereditary breast carcinoma. Identifiers: Orphanet 227535, MedGen C0346153, MONDO:0016419, OMIM 114480. Disease mechanism: loss of function.

Submissions (2):

Color Diagnostics, LLC DBA Color Health
Classification: Uncertain significance for Hereditary cancer-predisposing syndrome. Last evaluated: 2025-09-05. Review status: criteria provided, single submitter. Criteria: ACMG Guidelines, 2015. Collection method: clinical testing. Allele origin: germline.
Comment: This missense variant replaces proline with serine at codon 149 of the BARD1 protein. Computational prediction is inconclusive regarding the impact of this variant on protein structure and function. To our knowledge, functional studies have not been reported for this variant. This variant has not been reported in individuals affected with BARD1-related disorders in the literature. This variant has not been identified in the general population by the Genome Aggregation Database (gnomAD). The available evidence is insufficient to determine the role of this variant in disease conclusively. Therefore, this variant is classified as a Variant of Uncertain Significance.

Labcorp Genetics (formerly Invitae), Labcorp
Classification: Uncertain significance for Familial cancer of breast. Last evaluated: 2022-07-12. Review status: criteria provided, single submitter. Criteria: Invitae Variant Classification Sherloc (09022015). Collection method: clinical testing. Allele origin: germline.
Comment: This sequence change replaces proline, which is neutral and non-polar, with serine, which is neutral and polar, at codon 149 of the BARD1 protein (p.Pro149Ser). This variant is not present in population databases (gnomAD no frequency). This variant has not been reported in the literature in individuals affected with BARD1-related conditions. Algorithms developed to predict the effect of missense changes on protein structure and function (SIFT, PolyPhen-2, Align-GVGD) all suggest that this variant is likely to be disruptive. In summary, the available evidence is currently insufficient to determine the role of this variant in disease. Therefore, it has been classified as a Variant of Uncertain Significance.